The following is an entry in ClinVar:

ClinVar aggregate classification (germline): Benign. Review status: criteria provided, multiple submitters, no conflicts (2 of 4 stars). 7 submissions from 7 submitters: Benign (7). Last evaluated 2026-02-03.

Conditions:
Autosomal dominant nonsyndromic hearing loss 1. Also called: DEAFNESS, AUTOSOMAL DOMINANT 1, WITH OR WITHOUT THROMBOCYTOPENIA; KONIGSMARK SYNDROME. Identifiers: Orphanet 90635, MedGen C1852282, MONDO:0007424, OMIM 124900.
Progressive microcephaly-seizures-cortical blindness-developmental delay syndrome. Also called: Seizures, cortical blindness, and microcephaly syndrome. Identifiers: Orphanet 477814, MedGen C5567650, MONDO:0014714, OMIM 616632.

Allele frequency attached by ClinVar (database versions not stated): 1000 Genomes Project 30x 0.02389; TOPMed 0.01923; gnomAD 0.02312 and 0.02275; ExAC 0.02526; 1000 Genomes Project 0.02596; gnomAD exomes 0.02539 and 0.02636; ESP Exome Variant Server 0.01943.
gnomAD v4.1: 41,863 of 1,613,320 alleles (2.6%); highest among the groups gnomAD compares: East Asian, 4.6%; 719 homozygotes.

Submissions (23):

Labcorp Genetics (formerly Invitae), Labcorp
Classification: Benign for Progressive microcephaly-seizures-cortical blindness-developmental delay syndrome; Autosomal dominant nonsyndromic hearing loss 1. Last evaluated: 2026-02-03. Review status: criteria provided, single submitter. Criteria: Invitae Variant Classification Sherloc (09022015). Collection method: clinical testing. Allele origin: germline.

Mayo Clinic Laboratories, Mayo Clinic
Classification: Benign. Last evaluated: 2022-09-29. Review status: criteria provided, single submitter. Criteria: ACMG Guidelines, 2015. Collection method: clinical testing. Allele origin: germline. Observed: 38 variant alleles.

Athena Diagnostics
Classification: Benign. Last evaluated: 2019-07-01. Review status: criteria provided, single submitter. Criteria: Athena Diagnostics Criteria. Collection method: clinical testing. Allele origin: germline.

Illumina Laboratory Services, Illumina
Classification: Benign for Autosomal dominant nonsyndromic hearing loss 1. Last evaluated: 2018-01-13. Review status: criteria provided, single submitter. Criteria: ICSL Variant Classification Criteria 13 December 2019. Collection method: clinical testing. Allele origin: germline.
Comment: This variant was observed in the ICSL laboratory as part of a predisposition screen in an ostensibly healthy population. It had not been previously curated by ICSL or reported in the Human Gene Mutation Database (HGMD: prior to June 1st, 2018), and was therefore a candidate for classification through an automated scoring system. Utilizing variant allele frequency, disease prevalence and penetrance estimates, and inheritance mode, an automated score was calculated to assess if this variant is too frequent to cause the disease. Based on the score and internal cut-off values, a variant classified as benign is not then subjected to further curation. The score for this variant resulted in a classification of benign for this disease.

GeneDx
Classification: Benign. Last evaluated: 2017-05-09. Review status: criteria provided, single submitter. Criteria: GeneDx Variant Classification (06012015). Collection method: clinical testing. Allele origin: germline. Affected: yes.
Comment: This variant is considered likely benign or benign based on one or more of the following criteria: it is a conservative change, it occurs at a poorly conserved position in the protein, it is predicted to be benign by multiple in silico algorithms, and/or has population frequency not consistent with disease.

Laboratory for Molecular Medicine, Mass General Brigham Personalized Medicine
Classification: Benign. Last evaluated: 2012-05-07. Review status: criteria provided, single submitter. Criteria: LMM Criteria. Collection method: clinical testing. Allele origin: germline. Observed: 75 variant alleles.
Comment: "Gly1193Gly in Exon 27 of DIAPH1: This variant is not expected to have clinical significance because it does not alter an amino acid residue, is not located wit hin the splice consensus sequence, and has been identified in 2.3% (160/6862) of European American chromosomes from a broad population by the NHLBI Exome Sequen cing Project (dbSNP rs2302102)."

PreventionGenetics, part of Exact Sciences
Classification: Benign. Review status: criteria provided, single submitter. Criteria: ACMG Guidelines, 2015. Collection method: clinical testing. Allele origin: germline.

Dr. Peter K. Rogan Lab, Western University
No classification provided (evidence only). Condition: Melanoma. Review status: no classification provided. Collection method: in vitro. Allele origin: not applicable. Functional consequence: retained intron. Not counted in ClinVar's aggregate classification.

Dr. Peter K. Rogan Lab, Western University
No classification provided (evidence only). Condition: Melanoma. Review status: no classification provided. Collection method: in vitro. Allele origin: not applicable. Functional consequence: retained intron. Not counted in ClinVar's aggregate classification.

Dr. Peter K. Rogan Lab, Western University
No classification provided (evidence only). Condition: Melanoma. Review status: no classification provided. Collection method: in vitro. Allele origin: not applicable. Functional consequence: retained intron. Not counted in ClinVar's aggregate classification.

Dr. Peter K. Rogan Lab, Western University
No classification provided (evidence only). Condition: Melanoma. Review status: no classification provided. Collection method: in vitro. Allele origin: not applicable. Functional consequence: retained intron. Not counted in ClinVar's aggregate classification.

Dr. Peter K. Rogan Lab, Western University
No classification provided (evidence only). Condition: Melanoma. Review status: no classification provided. Collection method: in vitro. Allele origin: not applicable. Functional consequence: retained intron. Not counted in ClinVar's aggregate classification.

Dr. Peter K. Rogan Lab, Western University
No classification provided (evidence only). Condition: Melanoma. Review status: no classification provided. Collection method: in vitro. Allele origin: not applicable. Functional consequence: retained intron. Not counted in ClinVar's aggregate classification.

Dr. Peter K. Rogan Lab, Western University
No classification provided (evidence only). Condition: Acute myeloid leukemia. Review status: no classification provided. Collection method: in vitro. Allele origin: not applicable. Functional consequence: retained intron. Not counted in ClinVar's aggregate classification.

Dr. Peter K. Rogan Lab, Western University
No classification provided (evidence only). Condition: Colon adenocarcinoma. Review status: no classification provided. Collection method: in vitro. Allele origin: not applicable. Functional consequence: retained intron. Not counted in ClinVar's aggregate classification.

Dr. Peter K. Rogan Lab, Western University
No classification provided (evidence only). Condition: Colorectal cancer. Review status: no classification provided. Collection method: in vitro. Allele origin: not applicable. Functional consequence: retained intron. Not counted in ClinVar's aggregate classification.

Dr. Peter K. Rogan Lab, Western University
No classification provided (evidence only). Condition: Thyroid cancer, nonmedullary, 1. Review status: no classification provided. Collection method: in vitro. Allele origin: not applicable. Functional consequence: retained intron. Not counted in ClinVar's aggregate classification.

Dr. Peter K. Rogan Lab, Western University
No classification provided (evidence only). Condition: Uterine corpus endometrial carcinoma. Review status: no classification provided. Collection method: in vitro. Allele origin: not applicable. Functional consequence: retained intron. Not counted in ClinVar's aggregate classification.

Dr. Peter K. Rogan Lab, Western University
No classification provided (evidence only). Condition: Cervical cancer. Review status: no classification provided. Collection method: in vitro. Allele origin: not applicable. Functional consequence: retained intron. Not counted in ClinVar's aggregate classification.

Dr. Peter K. Rogan Lab, Western University
No classification provided (evidence only). Condition: Cervical cancer. Review status: no classification provided. Collection method: in vitro. Allele origin: not applicable. Functional consequence: retained intron. Not counted in ClinVar's aggregate classification.

Dr. Peter K. Rogan Lab, Western University
No classification provided (evidence only). Condition: Cervical cancer. Review status: no classification provided. Collection method: in vitro. Allele origin: not applicable. Functional consequence: retained intron. Not counted in ClinVar's aggregate classification.

Dr. Peter K. Rogan Lab, Western University
No classification provided (evidence only). Condition: Malignant lymphoma, large B-cell, diffuse. Review status: no classification provided. Collection method: in vitro. Allele origin: not applicable. Functional consequence: retained intron. Not counted in ClinVar's aggregate classification.

Dr. Peter K. Rogan Lab, Western University
No classification provided (evidence only). Condition: Uterine carcinosarcoma. Review status: no classification provided. Collection method: in vitro. Allele origin: not applicable. Functional consequence: retained intron. Not counted in ClinVar's aggregate classification.

NM_005219.5(DIAPH1):c.3579C>T (p.Gly1193=)

Gene: DIAPH1 (diaphanous related formin 1; minus strand). Cytogenetic location: 5q31.3.
Variant type: single nucleotide variant.
Coding change: c.3579C>T on transcript NM_005219.5 (MANE Select); coding-DNA position 3579, C replaced by T.
Protein change: p.Gly1193=; no amino-acid change (glycine 1193 retained).
Molecular consequence: synonymous variant.
Genome position (GRCh38, 1-based): chr5:141,524,225, G>A on the plus strand (C>T on the coding strand, the complement: DIAPH1 is on the minus strand). VCF-style: chr5-141524225-G-A. GRCh37 (hg19) VCF-style: chr5-140903792-G-A.
Other names: p.Gly1193=; c.3552C>T, p.Gly1184= (NM_001079812.3); c.3579C>T, p.Gly1193= (NM_001314007.2).
Identifiers: ClinVar variation 45215 (VCV000045215.21), dbSNP rs2302102, ClinGen allele CA135751.